The following is an entry in ClinVar:

NM_003482.4(KMT2D):c.6841T>C (p.Ser2281Pro)

Gene: KMT2D (lysine methyltransferase 2D; minus strand). Cytogenetic location: 12q13.12.
Variant type: single nucleotide variant.
Coding change: c.6841T>C on transcript NM_003482.4 (MANE Select); coding-DNA position 6841, T replaced by C.
Protein change: p.Ser2281Pro; replaces serine 2281 with proline.
Molecular consequence: missense variant.
Genome position (GRCh38, 1-based): chr12:49,040,929, A>G on the plus strand (T>C on the coding strand, the complement: KMT2D is on the minus strand). VCF-style: chr12-49040929-A-G. GRCh37 (hg19) VCF-style: chr12-49434712-A-G.
Other names: short protein forms S2281P.
Identifiers: ClinVar variation 2633861 (VCV002633861.1), dbSNP rs2120537894, ClinGen allele CA384749490.

ClinVar aggregate classification (germline): Uncertain significance (1 of 4 stars; one submission).

Conditions:
KMT2D-related disorder. Also called: KMT2D-Related Disorders.

Submission:

PreventionGenetics, part of Exact Sciences
Classification: Uncertain significance for KMT2D-related condition. Last evaluated: 2023-03-02. Review status: criteria provided, single submitter. Criteria: ACMG Guidelines, 2015. Collection method: clinical testing. Allele origin: germline.
Comment: The KMT2D c.6841T>C variant is predicted to result in the amino acid substitution p.Ser2281Pro. To our knowledge, this variant has not been reported in the literature or in a large population database, indicating this variant is rare. At this time, the clinical significance of this variant is uncertain due to the absence of conclusive functional and genetic evidence.